The following is an entry in ClinVar:

ClinVar aggregate classification (germline): Benign/Likely benign. Review status: criteria provided, multiple submitters, no conflicts (2 of 4 stars). 10 submissions from 9 submitters: Benign (9); Likely benign (1). Last evaluated 2026-02-01.

Conditions:
WFS1-Related Spectrum Disorders.
Wolfram syndrome 1 (WFS1). Identifiers: Orphanet 3463, MedGen C4551693, MONDO:0009101, OMIM 222300.
Autosomal dominant nonsyndromic hearing loss 6 (LFSNHL). Also called: DEAFNESS, AUTOSOMAL DOMINANT 6; DEAFNESS, AUTOSOMAL DOMINANT 14; DEAFNESS, AUTOSOMAL DOMINANT 38; Autosomal dominant nonsyndromic deafness 6. Identifiers: Orphanet 90635, MedGen C1833021, MONDO:0010963, OMIM 600965.

Allele frequency attached by ClinVar (database versions not stated): gnomAD exomes 0.00121; ExAC 0.00146; ESP Exome Variant Server 0.00348; 1000 Genomes Project 0.00439; 1000 Genomes Project 30x 0.00453; gnomAD 0.00477 and 0.00513; TOPMed 0.00515.
gnomAD v4.1: 1,418 of 1,612,838 alleles (0.088%); highest among the groups gnomAD compares: African/African-American, 1.7%; 7 homozygotes.

Submissions (10):

Labcorp Genetics (formerly Invitae), Labcorp
Classification: Benign. Last evaluated: 2026-02-01. Review status: criteria provided, single submitter. Criteria: Invitae Variant Classification Sherloc (09022015). Collection method: clinical testing. Allele origin: germline.

ARUP Laboratories, Molecular Genetics and Genomics, ARUP Laboratories
Classification: Benign. Last evaluated: 2025-03-14. Review status: criteria provided, single submitter. Criteria: ARUP Molecular Germline Variant Investigation Process 2024. Collection method: clinical testing. Allele origin: germline.

Blueprint Genetics
Classification: Likely benign. Last evaluated: 2024-09-18. Review status: criteria provided, single submitter. Criteria: ACMG Guidelines, 2015. Collection method: clinical testing. Allele origin: germline.

Genetic Services Laboratory, University of Chicago
Classification: Benign. Last evaluated: 2021-12-14. Review status: criteria provided, single submitter. Criteria: ACMG Guidelines, 2015. Collection method: clinical testing. Allele origin: germline. Affected: no.

Illumina Laboratory Services, Illumina
Classification: Benign for WFS1-Related Spectrum Disorders. Last evaluated: 2018-01-13. Review status: criteria provided, single submitter. Criteria: ICSL Variant Classification Criteria 13 December 2019. Collection method: clinical testing. Allele origin: germline.
Comment: This variant was observed in the ICSL laboratory as part of a predisposition screen in an ostensibly healthy population. It had not been previously curated by ICSL or reported in the Human Gene Mutation Database (HGMD: prior to June 1st, 2018), and was therefore a candidate for classification through an automated scoring system. Utilizing variant allele frequency, disease prevalence and penetrance estimates, and inheritance mode, an automated score was calculated to assess if this variant is too frequent to cause the disease. Based on the score and internal cut-off values, a variant classified as benign is not then subjected to further curation. The score for this variant resulted in a classification of benign for this disease.

Illumina Laboratory Services, Illumina
Classification: Benign for Autosomal dominant nonsyndromic hearing loss 6. Last evaluated: 2018-01-13. Review status: criteria provided, single submitter. Criteria: ICSL Variant Classification Criteria 13 December 2019. Collection method: clinical testing. Allele origin: germline.
Comment: the same text as in the submission from Illumina Laboratory Services, Illumina above.

GeneDx
Classification: Benign. Last evaluated: 2013-04-30. Review status: criteria provided, single submitter. Criteria: GeneDx Variant Classification (06012015). Collection method: clinical testing. Allele origin: germline. Affected: yes.
Comment: This variant is considered likely benign or benign based on one or more of the following criteria: it is a conservative change, it occurs at a poorly conserved position in the protein, it is predicted to be benign by multiple in silico algorithms, and/or has population frequency not consistent with disease.

Laboratory for Molecular Medicine, Mass General Brigham Personalized Medicine
Classification: Benign. Last evaluated: 2012-05-07. Review status: criteria provided, single submitter. Criteria: LMM Criteria. Collection method: clinical testing. Allele origin: germline. Observed: 4 variant alleles.
Comment: "Thr749Thr in Exon 08 of WFS1: This variant is not expected to have clinical sig nificance because it does not alter an amino acid residue, is not located within the splice consensus sequence, and has been identified in 1.2% (44/3726) of Afr ican American chromosomes from a broad population by the NHLBI Exome Sequencing Project (dbSNP rs75096624)."

Breakthrough Genomics
Classification: Benign. Review status: criteria provided, single submitter. Criteria: ACMG Guidelines, 2015. Collection method: not provided. Allele origin: germline. Inheritance: Autosomal recessive inheritance. Affected: yes.

Clinical Genomics, Uppaluri K&H Personalized Medicine Clinic
Classification: Benign for Wolfram syndrome 1. Review status: criteria provided, single submitter. Criteria: K & H Uppaluri Personalized Medicine Clinic Variant Classification & Assertion Criteria_Updated V.1. Collection method: research. Allele origin: unknown. Inheritance: Autosomal recessive inheritance.
Comment: Potent mutations in WFS1 gene are associated with Wolfram's syndrome, an autosomal recessive condition, which cause diabetes mellitus, diabetes insipidus, deafness and optic atrophy. However no sufficient evidence is found to ascertain the role of this particular variant rs75096624 in Wolfram's syndrome yet.

Literature cited by the submitters: PubMed 20738327 (cited by Clinical Genomics, Uppaluri K&H Personalized Medicine Clinic); PubMed 33879153 (cited by Clinical Genomics, Uppaluri K&H Personalized Medicine Clinic); PubMed 12955714 (cited by Clinical Genomics, Uppaluri K&H Personalized Medicine Clinic); PubMed 18060660 (cited by Clinical Genomics, Uppaluri K&H Personalized Medicine Clinic); PubMed 20301750 (cited by Clinical Genomics, Uppaluri K&H Personalized Medicine Clinic); PubMed 17603484 (cited by Clinical Genomics, Uppaluri K&H Personalized Medicine Clinic).

NM_006005.3(WFS1):c.2247G>A (p.Thr749=)

Gene: WFS1 (wolframin ER transmembrane glycoprotein; plus strand). Cytogenetic location: 4p16.1.
Variant type: single nucleotide variant.
Coding change: c.2247G>A on transcript NM_006005.3 (MANE Select); coding-DNA position 2247, G replaced by A.
Protein change: p.Thr749=; no amino-acid change (threonine 749 retained).
Molecular consequence: synonymous variant.
Genome position (GRCh38, 1-based): chr4:6,302,042, G>A. VCF-style: chr4-6302042-G-A. GRCh37 (hg19) VCF-style: chr4-6303769-G-A.
Other names: p.T749T:ACG>ACA; c.2247G>A, p.Thr749= (NM_001145853.1).
Identifiers: ClinVar variation 45451 (VCV000045451.31), dbSNP rs75096624, ClinGen allele CA282580.
Genomic context (GRCh38, chr4:6,302,042, plus strand): 5'-CTGGATGCGCTGCCTCTACGGCGAGGCCTACCCTGCCTGCAGCCCTGGCAACACCTCCAC[G>A]GCCGAGGAGGAGCTCTGTCGCCTTAAGCTGCTGGCCAAGCACCCCTGCCACATCAAGAAG-3'
Protein context (NP_005996.2, residues 739-759): YPACSPGNTS[Thr749=]AEEELCRLKL